The following is an entry in ClinVar:

NM_001098484.3(SLC4A4):c.*1665C>T

Gene: SLC4A4 (solute carrier family 4 member 4; plus strand). Cytogenetic location: 4q13.3.
Variant type: single nucleotide variant.
Coding change: c.*1665C>T on transcript NM_001098484.3 (MANE Select); 1665 bases downstream of the stop codon, C replaced by T.
Molecular consequence: 3 prime UTR variant.
Genome position (GRCh38, 1-based): chr4:71,569,416, C>T. VCF-style: chr4-71569416-C-T. GRCh37 (hg19) VCF-style: chr4-72435133-C-T.
Other names: c.*1523C>T (NM_001134742.2); c.*1665C>T (NM_003759.4).
Identifiers: ClinVar variation 349586 (VCV000349586.5), dbSNP rs72854473, ClinGen allele CA10621676.

ClinVar aggregate classification (germline): Benign (1 of 4 stars; one submission).

Conditions:
Autosomal recessive proximal renal tubular acidosis (PRTAO). Also called: RTA, PROXIMAL, AUTOSOMAL RECESSIVE; RENAL TUBULAR ACIDOSIS, PROXIMAL, WITH OCULAR ABNORMALITIES AND MENTAL RETARDATION; RENAL TUBULAR ACIDOSIS, PROXIMAL, WITH OCULAR ABNORMALITIES AND IMPAIRED INTELLECTUAL DEVELOPMENT; PROXIMAL RENAL TUBULAR ACIDOSIS-OCULAR ANOMALY SYNDROME. Identifiers: Orphanet 93607, MedGen C1970309, MONDO:0011422, OMIM 604278.

Allele frequency attached by ClinVar (database versions not stated): gnomAD 0.00592; 1000 Genomes Project 30x 0.00656; 1000 Genomes Project 0.00679; TOPMed 0.00685.

Submission:

Illumina Laboratory Services, Illumina
Classification: Benign for Autosomal recessive proximal renal tubular acidosis. Last evaluated: 2018-01-12. Review status: criteria provided, single submitter. Criteria: ICSL Variant Classification Criteria 13 December 2019. Collection method: clinical testing. Allele origin: germline.
Comment: This variant was observed in the ICSL laboratory as part of a predisposition screen in an ostensibly healthy population. It had not been previously curated by ICSL or reported in the Human Gene Mutation Database (HGMD: prior to June 1st, 2018), and was therefore a candidate for classification through an automated scoring system. Utilizing variant allele frequency, disease prevalence and penetrance estimates, and inheritance mode, an automated score was calculated to assess if this variant is too frequent to cause the disease. Based on the score and internal cut-off values, a variant classified as benign is not then subjected to further curation. The score for this variant resulted in a classification of benign for this disease.